The following is an entry in ClinVar:

ClinVar aggregate classification (germline): Pathogenic. Review status: reviewed by expert panel (3 of 4 stars). 2 submissions from 2 submitters: Pathogenic (1). 1 of the submissions does not count toward it. Last evaluated 2016-10-18.

Conditions:
Breast-ovarian cancer, familial, susceptibility to, 1 (BROVCA1). Also called: BRCA1 Hereditary Breast and Ovarian Cancer; OVARIAN CANCER, SUSCEPTIBILITY TO. Identifiers: Orphanet 145, MedGen C2676676, MONDO:0011450, OMIM 604370. Disease mechanism: loss of function.

Submissions (2):

Evidence-based Network for the Interpretation of Germline Mutant Alleles (ENIGMA)
Classification: Pathogenic for Breast-ovarian cancer, familial, susceptibility to, 1. Last evaluated: 2016-10-18. Review status: reviewed by expert panel. Criteria: ENIGMA BRCA1/2 Classification Criteria (2015). Collection method: curation. Allele origin: germline.
Comment: Variant allele predicted to encode a truncated non-functional protein.

Consortium of Investigators of Modifiers of BRCA1/2 (CIMBA), c/o University of Cambridge
Classification: Pathogenic for Breast-ovarian cancer, familial, susceptibility to, 1. Last evaluated: 2015-10-02. Review status: criteria provided, single submitter. Criteria: CIMBA Mutation Classification guidelines May 2016. Collection method: clinical testing. Allele origin: germline. Not counted in ClinVar's aggregate classification.

NM_007294.4(BRCA1):c.3750del (p.Glu1250fs)

Genes: BRCA1 (BRCA1 DNA repair associated; minus strand), LOC126862571 (BRD4-independent group 4 enhancer GRCh37_chr17:41243136-41244335; plus strand). Cytogenetic location: 17q21.31.
Variant type: Deletion.
Coding change: c.3750del on transcript NM_007294.4 (MANE Select); coding-DNA position 3750, one base deleted (G; older notation c.3750delG).
Protein change: p.Glu1250fs; shifts the reading frame from glutamic acid 1250.
Molecular consequence: frameshift variant. On other transcripts: intron variant (135).
Genome position (GRCh38, 1-based): chr17:43,091,781, C deleted on the plus strand (G on the coding strand, the reverse complement: BRCA1 is on the minus strand). VCF-style (leftmost placement, unchanged base first): chr17-43091780-AC-A. GRCh37 (hg19) VCF-style: chr17-41243797-AC-A.
Other names: 3869delG; c.3750del, p.Glu1250fs (NM_001407585.1, NM_001407593.1, NM_001407594.1 and 30 more transcripts); c.3747del, p.Glu1249fs (NM_001407587.1, NM_001407590.1, NM_001407591.1 and 22 more transcripts); c.3741del, p.Glu1247fs (NM_001407646.1, NM_001407647.1); c.3627del, p.Glu1209fs (NM_001407648.1, NM_001407664.1, NM_001407665.1 and 19 more transcripts); c.3624del, p.Glu1208fs (NM_001407649.1, NM_001407670.1, NM_001407671.1 and 11 more transcripts); c.3672del, p.Glu1224fs (NM_001407653.1, NM_001407654.1, NM_001407655.1 and 4 more transcripts); c.3669del, p.Glu1223fs (NM_001407659.1, NM_001407660.1, NM_001407661.1 and 1 more transcripts); and 43 more; short protein forms E1203fs, E1250fs, E1182fs, E1209fs, E1247fs, E1082fs, E1122fs, E1161fs.
Identifiers: ClinVar variation 266403 (VCV000266403.7), dbSNP rs886040163, ClinGen allele CA10589726.